The following is an entry in ClinVar:

NM_001024630.4(RUNX2):c.1087+5G>A

Gene: RUNX2 (RUNX family transcription factor 2; plus strand). Cytogenetic location: 6p21.1.
Variant type: single nucleotide variant.
Coding change: c.1087+5G>A on transcript NM_001024630.4 (MANE Select); 5 bases into the intron after coding-DNA position 1087, G replaced by A.
Molecular consequence: intron variant.
Genome position (GRCh38, 1-based): chr6:45,545,287, G>A. VCF-style: chr6-45545287-G-A. GRCh37 (hg19) VCF-style: chr6-45513024-G-A.
Other names: c.1022-1540G>A (NM_001015051.4); c.1045+5G>A (NM_001369405.1); c.980-1540G>A (NM_001278478.2).
Identifiers: ClinVar variation 1482886 (VCV001482886.6), dbSNP rs1563132952, ClinGen allele CA1625491662.

ClinVar aggregate classification (germline): Uncertain significance (1 of 4 stars; one submission).

Allele frequency attached by ClinVar (database versions not stated): gnomAD exomes below 0.00001 and 0.00001.
gnomAD v4.1: 1 of 1,546,518 alleles (0.000065%); highest among the groups gnomAD compares: Admixed American, 0.002%; no homozygotes.

Submission:

Labcorp Genetics (formerly Invitae), Labcorp
Classification: Uncertain significance. Last evaluated: 2022-08-16. Review status: criteria provided, single submitter. Criteria: Invitae Variant Classification Sherloc (09022015). Collection method: clinical testing. Allele origin: germline.
Comment: This variant has not been reported in the literature in individuals affected with RUNX2-related conditions. In summary, the available evidence is currently insufficient to determine the role of this variant in disease. Therefore, it has been classified as a Variant of Uncertain Significance. Variants that disrupt the consensus splice site are a relatively common cause of aberrant splicing (PMID: 17576681, 9536098). Algorithms developed to predict the effect of sequence changes on RNA splicing suggest that this variant may disrupt the consensus splice site. ClinVar contains an entry for this variant (Variation ID: 1482886). This variant is not present in population databases (gnomAD no frequency). This sequence change falls in intron 8 of the RUNX2 gene. It does not directly change the encoded amino acid sequence of the RUNX2 protein. It affects a nucleotide within the consensus splice site.

Literature cited by the submitters: PubMed 17576681; PubMed 9536098.